The following is an entry in ClinVar:

ClinVar aggregate classification (germline): Pathogenic/Likely pathogenic. Review status: criteria provided, multiple submitters, no conflicts (2 of 4 stars). 5 submissions from 5 submitters: Pathogenic (4); Likely pathogenic (1). Last evaluated 2026-08-06.

Conditions:
Cardiac anomalies - developmental delay - facial dysmorphism syndrome (MRFACD). Also called: MED13L Syndrome; Impaired intellectual development and distinctive facial features with or without cardiac defects. Identifiers: Orphanet 369891, MedGen C5192431, MONDO:0014773, OMIM 616789.
Paediatric disorders.
Dextro-looped transposition of the great arteries. Also called: Dextrotransposition of the great arteries. Identifiers: Orphanet 860, MedGen C3531771, MONDO:0019443, OMIM 608808, HP:0031348.

Submissions (5):

NHS Central & South Genomic Laboratory Hub
Classification: Likely pathogenic for Paediatric disorders. Last evaluated: 2026-08-06. Review status: criteria provided, single submitter. Criteria: ACMG Guidelines, 2015. Collection method: clinical testing. Allele origin: germline. Affected: yes.

Labcorp Genetics (formerly Invitae), Labcorp
Classification: Pathogenic for Dextro-looped transposition of the great arteries. Last evaluated: 2025-12-13. Review status: criteria provided, single submitter. Criteria: Invitae Variant Classification Sherloc (09022015). Collection method: clinical testing. Allele origin: germline.
Comment: This sequence change replaces threonine, which is neutral and polar, with methionine, which is neutral and non-polar, at codon 2162 of the MED13L protein (p.Thr2162Met). This variant is not present in population databases (gnomAD no frequency). This missense change has been observed in individual(s) with clinical features of MED13L-related conditions (PMID: 28554332, 29511999, 31785789; internal data). In at least one individual the variant was observed to be de novo. ClinVar contains an entry for this variant (Variation ID: 224153). Invitae Evidence Modeling of protein sequence and biophysical properties (such as structural, functional, and spatial information, amino acid conservation, physicochemical variation, residue mobility, and thermodynamic stability) indicates that this missense variant is expected to disrupt MED13L protein function with a positive predictive value of 80%. Experimental studies have shown that this missense change affects MED13L function (PMID: 36798993). For these reasons, this variant has been classified as Pathogenic.

GeneDx
Classification: Pathogenic. Last evaluated: 2023-09-19. Review status: criteria provided, single submitter. Criteria: GeneDx Variant Classification Process June 2021. Collection method: clinical testing. Allele origin: germline. Affected: yes.
Comment: Not observed at significant frequency in large population cohorts (gnomAD); In silico analysis supports that this missense variant has a deleterious effect on protein structure/function; This variant is associated with the following publications: (PMID: 28554332, 29511999, 31785789, 36798993, 31337854, 32646507)

Institute of Medical Genetics and Applied Genomics, University Hospital Tübingen
Classification: Pathogenic. Last evaluated: 2020-10-23. Review status: criteria provided, single submitter. Criteria: ACMG Guidelines, 2015. Collection method: clinical testing. Allele origin: germline. Inheritance: Autosomal dominant inheritance. Affected: yes.

HudsonAlpha Institute for Biotechnology
Classification: Pathogenic for Cardiac anomalies - developmental delay - facial dysmorphism syndrome. Last evaluated: 2015-12-10. Review status: criteria provided, single submitter. Criteria: HA_assertions_20161101. Collection method: research. Allele origin: de novo. Affected: yes. Observed: 1 variant allele. Study: CSER-HudsonAlpha.

Literature cited by the submitters: PubMed 28554332 (cited by Labcorp Genetics (formerly Invitae), Labcorp); PubMed 29511999 (cited by Labcorp Genetics (formerly Invitae), Labcorp); PubMed 31785789 (cited by Labcorp Genetics (formerly Invitae), Labcorp); PubMed 36798993 (cited by Labcorp Genetics (formerly Invitae), Labcorp).

NM_015335.5(MED13L):c.6485C>T (p.Thr2162Met)

Gene: MED13L (mediator complex subunit 13L; minus strand). Cytogenetic location: 12q24.21.
Variant type: single nucleotide variant.
Coding change: c.6485C>T on transcript NM_015335.5 (MANE Select); coding-DNA position 6485, C replaced by T.
Protein change: p.Thr2162Met; replaces threonine 2162 with methionine.
Molecular consequence: missense variant.
Genome position (GRCh38, 1-based): chr12:115,963,422, G>A on the plus strand (C>T on the coding strand, the complement: MED13L is on the minus strand). VCF-style: chr12-115963422-G-A. GRCh37 (hg19) VCF-style: chr12-116401227-G-A.
Other names: short protein forms T2162M.
Identifiers: ClinVar variation 224153 (VCV000224153.14), dbSNP rs869312707, ClinGen allele CA353441.